The following is an entry in ClinVar:

ClinVar aggregate classification (germline): Uncertain significance. Review status: criteria provided, multiple submitters, no conflicts (2 of 4 stars). 3 submissions from 3 submitters: Uncertain significance (2). 1 of the submissions does not count toward it. Last evaluated 2025-06-19.

Conditions:
GRIA3-related disorder. Also called: GRIA3-related condition.

Allele frequency attached by ClinVar (database versions not stated): gnomAD exomes below 0.00001 and 0.00001; ExAC 0.00001; ESP Exome Variant Server 0.00009.
gnomAD v4.1: 5 of 1,211,126 alleles (0.00041%); highest among the groups gnomAD compares: African/African-American, 0.0017%; no homozygotes.

Submissions (3):

Labcorp Genetics (formerly Invitae), Labcorp
Classification: Uncertain significance. Last evaluated: 2025-06-19. Review status: criteria provided, single submitter. Criteria: Invitae Variant Classification Sherloc (09022015). Collection method: clinical testing. Allele origin: germline.
Comment: This sequence change replaces valine, which is neutral and non-polar, with methionine, which is neutral and non-polar, at codon 135 of the GRIA3 protein (p.Val135Met). This variant is present in population databases (rs371539507, gnomAD 0.001%). This variant has not been reported in the literature in individuals affected with GRIA3-related conditions. ClinVar contains an entry for this variant (Variation ID: 1354134). Invitae Evidence Modeling of protein sequence and biophysical properties (such as structural, functional, and spatial information, amino acid conservation, physicochemical variation, residue mobility, and thermodynamic stability) indicates that this missense variant is not expected to disrupt GRIA3 protein function with a negative predictive value of 80%. In summary, the available evidence is currently insufficient to determine the role of this variant in disease. Therefore, it has been classified as a Variant of Uncertain Significance.

Greenwood Genetic Center Diagnostic Laboratories, Greenwood Genetic Center
Classification: Uncertain significance. Last evaluated: 2023-08-03. Review status: criteria provided, single submitter. Criteria: ACMG Guidelines, 2015. Collection method: clinical testing. Allele origin: germline. Affected: yes.
Comment: PM2

PreventionGenetics, part of Exact Sciences
Classification: Uncertain significance for GRIA3-related condition. Last evaluated: 2024-04-02. Review status: no assertion criteria provided. Collection method: clinical testing. Allele origin: germline. Not counted in ClinVar's aggregate classification.
Comment: The GRIA3 c.403G>A variant is predicted to result in the amino acid substitution p.Val135Met. To our knowledge, this variant has not been reported in the literature. This variant is reported in 0.0012% of alleles in individuals of European (Non-Finnish) descent in gnomAD. At this time, the clinical significance of this variant is uncertain due to the absence of conclusive functional and genetic evidence.

NM_007325.5(GRIA3):c.403G>A (p.Val135Met)

Gene: GRIA3 (glutamate ionotropic receptor AMPA type subunit 3; plus strand). Cytogenetic location: Xq25.
Variant type: single nucleotide variant.
Coding change: c.403G>A on transcript NM_007325.5 (MANE Select); coding-DNA position 403, G replaced by A.
Protein change: p.Val135Met; replaces valine 135 with methionine.
Molecular consequence: missense variant.
Genome position (GRCh38, 1-based): chrX:123,253,437, G>A. VCF-style: chrX-123253437-G-A. GRCh37 (hg19) VCF-style: chrX-122387288-G-A.
Other names: c.403G>A, p.Val135Met (NM_000828.5); c.403G>A (NM_000828.4); short protein forms V135M.
Identifiers: ClinVar variation 1354134 (VCV001354134.9), dbSNP rs371539507, ClinGen allele CA10506892.
Genomic context (GRCh38, chrX:123,253,437, plus strand): 5'-TCCTTCTGTGGGGCCCTGCACACATCCTTTGTTACGCCTAGCTTCCCCACTGACGCAGAT[G>A]TGCAGTTTGTCATCCAGATGCGCCCAGCCTTGAAGGGCGCTATTCTGAGTCTTCTGGGTC-3'
Protein context (NP_015564.5, residues 125-145): VTPSFPTDAD[Val135Met]QFVIQMRPAL